The following is an entry in ClinVar:

ClinVar aggregate classification (germline): Likely benign. Review status: criteria provided, multiple submitters, no conflicts (2 of 4 stars). 2 submissions from 2 submitters: Likely benign (2). Last evaluated 2024-11-27.

Submissions (2):

Blueprint Genetics
Classification: Likely benign. Last evaluated: 2024-11-27. Review status: criteria provided, single submitter. Criteria: ACMG Guidelines, 2015. Collection method: clinical testing. Allele origin: germline.

CeGaT Center for Human Genetics Tuebingen
Classification: Likely benign. Last evaluated: 2023-12-01. Review status: criteria provided, single submitter. Criteria: CeGaT Center For Human Genetics Tuebingen Variant Classification Criteria Version 2. Collection method: clinical testing. Allele origin: germline. Affected: yes. Observed: 1 variant allele.
Comment: PHACTR1: BS1

NM_030948.6(PHACTR1):c.1727+24dup

Genes: PHACTR1 (phosphatase and actin regulator 1; plus strand), TBC1D7-LOC100130357 (TBC1D7-LOC100130357 readthrough; minus strand), LOC100130357 (uncharacterized LOC100130357; minus strand). Cytogenetic location: 6p24.1.
Variant type: Duplication.
Coding change: c.1727+24dup on transcript NM_030948.6 (MANE Select); 24 bases into the intron after coding-DNA position 1727, one base duplicated (T; older notation c.1727+24dupT).
Molecular consequence: intron variant. On other transcripts: frameshift variant (2).
Genome position (GRCh38, 1-based): chr6:13,286,246, T duplicated; the last of 10 consecutive T bases (chr6:13,286,237-13,286,246); duplicating any one gives the same sequence. VCF-style (leftmost placement, unchanged base first): chr6-13286236-G-GT. GRCh37 (hg19) VCF-style: chr6-13286468-G-GT.
Other names: c.1751dup, p.Leu585fs (NM_001374581.2); c.1475dup, p.Leu493fs (NM_001374583.2); c.1727+24dup (NM_001242648.4, NM_001322308.3, NM_001322309.3); c.1934+24dup (NM_001322310.2); c.1658+24dup (NM_001322313.2); c.1451+24dup (NM_001322312.3, NM_001322311.2); c.1937+24dup (NM_001322314.4); c.*40-18402dup (NM_001318809.2); short protein forms L493fs, L585fs.
Identifiers: ClinVar variation 3024709 (VCV003024709.23), dbSNP rs750206884, ClinGen allele CA3639494.